The following is an entry in ClinVar:

ClinVar aggregate classification (germline): Uncertain significance (1 of 4 stars; one submission).

Conditions:
Inborn genetic diseases. Identifiers: MedGen C0950123, MeSH D030342.

Submission:

Ambry Genetics
Classification: Uncertain significance for Inborn genetic diseases. Last evaluated: 2023-05-16. Review status: criteria provided, single submitter. Criteria: Ambry Variant Classification Scheme 2023. Collection method: clinical testing. Allele origin: germline.
Comment: The c.6936-3T>A intronic alteration consists of a T to A substitution 3 nucleotides before coding exon 21 in the SETX gene. Based on insufficient or conflicting evidence, the clinical significance of this alteration remains unclear.

NM_015046.7(SETX):c.6936-3T>A

Gene: SETX (senataxin; minus strand). Cytogenetic location: 9q34.13.
Variant type: single nucleotide variant.
Coding change: c.6936-3T>A on transcript NM_015046.7 (MANE Select); 3 bases into the intron before coding-DNA position 6936, T replaced by A.
Molecular consequence: intron variant.
Genome position (GRCh38, 1-based): chr9:132,275,423, A>T on the plus strand (T>A on the coding strand, the complement: SETX is on the minus strand). VCF-style: chr9-132275423-A-T. GRCh37 (hg19) VCF-style: chr9-135150810-A-T.
Other names: c.6936-3T>A (NM_001351528.2, NM_001351527.2).
Identifiers: ClinVar variation 2525252 (VCV002525252.2), dbSNP rs2538863305, ClinGen allele CA2580617116.